The following is an entry in ClinVar:

ClinVar aggregate classification (germline): Uncertain significance (1 of 4 stars; one submission).

Allele frequency attached by ClinVar (database versions not stated): gnomAD 0.00001.
gnomAD v4.1: 1 of 1,613,786 alleles (0.000062%); highest among the groups gnomAD compares: Non-Finnish European, 0.000085%; no homozygotes.

Submission:

Ambry Genetics
Classification: Uncertain significance. Last evaluated: 2022-01-18. Review status: criteria provided, single submitter. Criteria: Ambry Variant Classification Scheme 2023. Collection method: clinical testing. Allele origin: germline.
Comment: The p.L2052P variant (also known as c.6155T>C), located in coding exon 19 of the POLQ gene, results from a T to C substitution at nucleotide position 6155. The leucine at codon 2052 is replaced by proline, an amino acid with similar properties. This amino acid position is conserved. In addition, this alteration is predicted to be deleterious by in silico analysis. Since supporting evidence is limited at this time, the clinical significance of this alteration remains unclear.

NM_199420.4(POLQ):c.6155T>C (p.Leu2052Pro)

Gene: POLQ (DNA polymerase theta; minus strand). Cytogenetic location: 3q13.33.
Variant type: single nucleotide variant.
Coding change: c.6155T>C on transcript NM_199420.4 (MANE Select); coding-DNA position 6155, T replaced by C.
Protein change: p.Leu2052Pro; replaces leucine 2052 with proline.
Molecular consequence: missense variant.
Genome position (GRCh38, 1-based): chr3:121,481,628, A>G on the plus strand (T>C on the coding strand, the complement: POLQ is on the minus strand). VCF-style: chr3-121481628-A-G. GRCh37 (hg19) VCF-style: chr3-121200475-A-G.
Other names: short protein forms L2052P.
Identifiers: ClinVar variation 1751901 (VCV001751901.2), dbSNP rs1427109957, ClinGen allele CA354087712.
Genomic context (GRCh38, chr3:121,481,628, plus strand): 5'-TTACCTTGAAGGTTTTCCTTCTGCAACAAAGAGTTGAGCTGATTCATAGAGTTGAAGATG[A>G]GAATGGACTCCACAGATGCTCTGTATCGCCCAGAATGCTCACTGCCAGCATTTAGCCCCA-3'
Protein context (NP_955452.3, residues 2042-2062): GRYRASVESI[Leu2052Pro]IFNSMNQLNS